The following is an entry in ClinVar:

NM_017612.5(ZCCHC8):c.242+5G>A

Gene: ZCCHC8 (zinc finger CCHC-type containing 8; minus strand). Cytogenetic location: 12q24.31.
Variant type: single nucleotide variant.
Coding change: c.242+5G>A on transcript NM_017612.5 (MANE Select); 5 bases into the intron after coding-DNA position 242, G replaced by A.
Molecular consequence: intron variant.
Genome position (GRCh38, 1-based): chr12:122,498,822, C>T on the plus strand (G>A on the coding strand, the complement: ZCCHC8 is on the minus strand). VCF-style: chr12-122498822-C-T. GRCh37 (hg19) VCF-style: chr12-122983369-C-T.
Other names: c.-197+5G>A (NM_001350938.2); c.242+5G>A (NM_001350935.2); c.-303+5G>A (NM_001350937.2); c.-56+1151G>A (NM_001350936.2).
Identifiers: ClinVar variation 4752821 (VCV004752821.1).

ClinVar aggregate classification (germline): Uncertain significance (1 of 4 stars; one submission).

gnomAD v4.1: 14 of 1,613,114 alleles (0.00087%); highest among the groups gnomAD compares: East Asian, 0.0022%; no homozygotes.

Submission:

Labcorp Genetics (formerly Invitae), Labcorp
Classification: Uncertain significance. Last evaluated: 2025-06-10. Review status: criteria provided, single submitter. Criteria: Invitae Variant Classification Sherloc (09022015). Collection method: clinical testing. Allele origin: germline.
Comment: This sequence change falls in intron 2 of the ZCCHC8 gene. It does not directly change the encoded amino acid sequence of the ZCCHC8 protein. It affects a nucleotide within the consensus splice site. This variant is not present in population databases (gnomAD no frequency). This variant has not been reported in the literature in individuals affected with ZCCHC8-related conditions. Variants that disrupt the consensus splice site are a relatively common cause of aberrant splicing (PMID: 17576681, 9536098). Algorithms developed to predict the effect of sequence changes on RNA splicing suggest that this variant is not likely to affect RNA splicing. In summary, the available evidence is currently insufficient to determine the role of this variant in disease. Therefore, it has been classified as a Variant of Uncertain Significance.

Literature cited by the submitters: PubMed 17576681; PubMed 9536098.